The following is an entry in ClinVar:

NM_001083961.2(WDR62):c.3468C>T (p.Leu1156=)

Gene: WDR62 (WD repeat domain 62; plus strand). Cytogenetic location: 19q13.12.
Variant type: single nucleotide variant.
Coding change: c.3468C>T on transcript NM_001083961.2 (MANE Select); coding-DNA position 3468, C replaced by T.
Protein change: p.Leu1156=; no amino-acid change (leucine 1156 retained).
Molecular consequence: synonymous variant.
Genome position (GRCh38, 1-based): chr19:36,103,161, C>T. VCF-style: chr19-36103161-C-T. GRCh37 (hg19) VCF-style: chr19-36594063-C-T.
Other names: p.Leu1156=; c.3453C>T, p.Leu1151= (NM_173636.5).
Identifiers: ClinVar variation 160287 (VCV000160287.26), dbSNP rs17851502, ClinGen allele CA173931.

ClinVar aggregate classification (germline): Benign. Review status: criteria provided, multiple submitters, no conflicts (2 of 4 stars). 12 submissions from 12 submitters: Benign (10). 2 of the submissions do not count toward it. Last evaluated 2026-02-02.

Conditions:
Microcephaly 2, primary, autosomal recessive, with or without cortical malformations. Also called: WDR62 Primary Microcephaly; MICROCEPHALY 2, PRIMARY, AUTOSOMAL RECESSIVE, WITH CORTICAL MALFORMATIONS. Identifiers: Orphanet 2512, MedGen C1858535, MONDO:0011435, OMIM 604317.

Allele frequency attached by ClinVar (database versions not stated): 1000 Genomes Project 30x 0.12664; gnomAD 0.13616 and 0.14024; TOPMed 0.14116; ESP Exome Variant Server 0.14324; ExAC 0.10601; 1000 Genomes Project 0.12121.
gnomAD v4.1: 172,433 of 1,613,930 alleles (11%); highest among the groups gnomAD compares: African/African-American, 23%; 10,318 homozygotes.

Submissions (12):

Labcorp Genetics (formerly Invitae), Labcorp
Classification: Benign. Last evaluated: 2026-02-02. Review status: criteria provided, single submitter. Criteria: Invitae Variant Classification Sherloc (09022015). Collection method: clinical testing. Allele origin: germline.

Blueprint Genetics
Classification: Benign. Last evaluated: 2024-11-28. Review status: criteria provided, single submitter. Criteria: ACMG Guidelines, 2015. Collection method: clinical testing. Allele origin: germline.

Genome-Nilou Lab
Classification: Benign for Microcephaly 2, primary, autosomal recessive, with or without cortical malformations. Last evaluated: 2021-12-05. Review status: criteria provided, single submitter. Criteria: ACMG Guidelines, 2015. Collection method: clinical testing. Allele origin: germline. Affected: no.

Mayo Clinic Laboratories, Mayo Clinic
Classification: Benign. Last evaluated: 2018-04-10. Review status: criteria provided, single submitter. Criteria: ACMG Guidelines, 2015. Collection method: clinical testing. Allele origin: germline. Observed: 134 variant alleles.

Illumina Laboratory Services, Illumina
Classification: Benign for Microcephaly 2, primary, autosomal recessive, with or without cortical malformations. Last evaluated: 2018-01-13. Review status: criteria provided, single submitter. Criteria: ICSL Variant Classification Criteria 13 December 2019. Collection method: clinical testing. Allele origin: germline.
Comment: This variant was observed in the ICSL laboratory as part of a predisposition screen in an ostensibly healthy population. It had not been previously curated by ICSL or reported in the Human Gene Mutation Database (HGMD: prior to June 1st, 2018), and was therefore a candidate for classification through an automated scoring system. Utilizing variant allele frequency, disease prevalence and penetrance estimates, and inheritance mode, an automated score was calculated to assess if this variant is too frequent to cause the disease. Based on the score and internal cut-off values, a variant classified as benign is not then subjected to further curation. The score for this variant resulted in a classification of benign for this disease.

Athena Diagnostics
Classification: Benign for Microcephaly 2, primary, autosomal recessive, with or without cortical malformations. Last evaluated: 2017-06-05. Review status: criteria provided, single submitter. Criteria: Athena Diagnostics Criteria. Collection method: clinical testing. Allele origin: germline.

GeneDx
Classification: Benign. Last evaluated: 2015-03-03. Review status: criteria provided, single submitter. Criteria: GeneDx Variant Classification Process June 2021. Collection method: clinical testing. Allele origin: germline. Affected: yes.

Genetic Services Laboratory, University of Chicago
Classification: Benign. Last evaluated: 2013-02-08. Review status: criteria provided, single submitter. Criteria: ACMG Guidelines, 2007. Collection method: clinical testing. Allele origin: germline. Inheritance: Autosomal recessive inheritance.

Breakthrough Genomics
Classification: Benign. Review status: criteria provided, single submitter. Criteria: ACMG Guidelines, 2015. Collection method: not provided. Allele origin: germline. Inheritance: Autosomal recessive inheritance. Affected: yes.

PreventionGenetics, part of Exact Sciences
Classification: Benign. Review status: criteria provided, single submitter. Criteria: ACMG Guidelines, 2015. Collection method: clinical testing. Allele origin: germline.

Clinical Genetics DNA and cytogenetics Diagnostics Lab, Erasmus MC, Erasmus Medical Center
Classification: Benign. Review status: no assertion criteria provided. Collection method: clinical testing. Allele origin: germline. Affected: yes. Study: VKGL Data-share Consensus. Not counted in ClinVar's aggregate classification.

Joint Genome Diagnostic Labs from Nijmegen and Maastricht, Radboudumc and MUMC+
Classification: Benign. Review status: no assertion criteria provided. Collection method: clinical testing. Allele origin: germline. Affected: yes. Study: VKGL Data-share Consensus. Not counted in ClinVar's aggregate classification.